The following is an entry in ClinVar:

ClinVar aggregate classification (germline): Benign/Likely benign. Review status: criteria provided, multiple submitters, no conflicts (2 of 4 stars). 3 submissions from 3 submitters: Benign (1); Likely benign (2). Last evaluated 2026-08-01.

Allele frequency attached by ClinVar (database versions not stated): 1000 Genomes Project 0.00020; 1000 Genomes Project 30x 0.00031; ESP Exome Variant Server 0.00238; ExAC 0.00258; gnomAD 0.00276; TOPMed 0.00278.
gnomAD v4.1: 6,434 of 1,266,242 alleles (0.51%); highest among the groups gnomAD compares: Non-Finnish European, 0.62%; 28 homozygotes.

Submissions (3):

CeGaT Center for Human Genetics Tuebingen
Classification: Likely benign. Last evaluated: 2026-08-01. Review status: criteria provided, single submitter. Criteria: CeGaT Center For Human Genetics Tuebingen Variant Classification Criteria Version 2. Collection method: clinical testing. Allele origin: germline. Affected: yes. Observed: 8 variant alleles.
Comment: STK4: BP4, BS2

Mayo Clinic Laboratories, Mayo Clinic
Classification: Benign. Last evaluated: 2025-01-27. Review status: criteria provided, single submitter. Criteria: ACMG Guidelines, 2015. Collection method: clinical testing. Allele origin: germline. Observed: 1 variant allele.
Comment: BS1, BS2, BP4, BP7

Blueprint Genetics
Classification: Likely benign. Last evaluated: 2024-11-27. Review status: criteria provided, single submitter. Criteria: ACMG Guidelines, 2015. Collection method: clinical testing. Allele origin: germline.

NM_006282.5(STK4):c.-2C>G

Genes: STK4 (serine/threonine kinase 4; plus strand), LOC130065950 (ATAC-STARR-seq lymphoblastoid silent region 12952; plus strand). Cytogenetic location: 20q13.12.
Variant type: single nucleotide variant.
Coding change: c.-2C>G on transcript NM_006282.5 (MANE Select); 2 bases upstream of the start codon, C replaced by G.
Molecular consequence: 5 prime UTR variant. On other transcripts: non-coding transcript variant (2).
Genome position (GRCh38, 1-based): chr20:44,966,567, C>G. VCF-style: chr20-44966567-C-G. GRCh37 (hg19) VCF-style: chr20-43595208-C-G.
Other names: c.-2C>G (NM_001352385.2).
Identifiers: ClinVar variation 2578909 (VCV002578909.27), dbSNP rs190920315, ClinGen allele CA9873688.
Genomic context (GRCh38, chr20:44,966,567, plus strand): 5'-GGCTCAGGAGGTCCGCGGGAGGATGGAGCAGTGAGCGGGTCTGGGCGGCTGCTGGCAGCG[C>G]CATGGAGACGGTACAGCTGAGGAACCCGCCGCGCCGGTGAGGGGCCACTGGCTAAGAGGA-3'